The following is an entry in ClinVar:

NM_004393.6(DAG1):c.2480C>G (p.Pro827Arg)

Gene: DAG1 (dystroglycan 1; plus strand). Cytogenetic location: 3p21.31.
Variant type: single nucleotide variant.
Coding change: c.2480C>G on transcript NM_004393.6 (MANE Select); coding-DNA position 2480, C replaced by G.
Protein change: p.Pro827Arg; replaces proline 827 with arginine.
Molecular consequence: missense variant.
Genome position (GRCh38, 1-based): chr3:49,532,991, C>G. VCF-style: chr3-49532991-C-G. GRCh37 (hg19) VCF-style: chr3-49570424-C-G.
Other names: c.2480C>G, p.Pro827Arg (NM_001165928.4, NM_001177634.3, NM_001177635.3 and 9 more transcripts); short protein forms P827R.
Identifiers: ClinVar variation 2419976 (VCV002419976.7), dbSNP rs752160684, ClinGen allele CA352798186.
Genomic context (GRCh38, chr3:49,532,991, plus strand): 5'-CCAAGCCCCCACCCTCCTCCAGCATGCCACTCATTCTGCAGGAGGAGAAGGCTCCCCTAC[C>G]CCCTCCTGAGTACCCCAACCAGAGTGTGCCCGAGACCACTCCTCTGAACCAGGACACCAT-3'
Protein context (NP_004384.5, residues 817-837): LILQEEKAPL[Pro827Arg]PPEYPNQSVP

ClinVar aggregate classification (germline): Uncertain significance (1 of 4 stars; one submission).

Conditions:
Autosomal recessive limb-girdle muscular dystrophy type 2P. Also called: MUSCULAR DYSTROPHY-DYSTROGLYCANOPATHY, LIMB-GIRDLE, DAG1-RELATED; Limb-Girdle Muscular Dystrophy Type 9C; MUSCULAR DYSTROPHY, LIMB-GIRDLE, TYPE 2P. Identifiers: Orphanet 280333, MedGen C4511963, MONDO:0013440, OMIM 613818.
Muscular dystrophy-dystroglycanopathy (congenital with brain and eye anomalies), type A9. Also called: WALKER-WARBURG SYNDROME OR MUSCLE-EYE BRAIN DISEASE, DAG1-RELATED; Muscular dystrophy-dystroglycanopathy (congenital with brain and eye anomalies), type a, 9. Identifiers: Orphanet 370997, Orphanet 899, MedGen C4225291, MONDO:0014683, OMIM 616538.

Submission:

Labcorp Genetics (formerly Invitae), Labcorp
Classification: Uncertain significance for Autosomal recessive limb-girdle muscular dystrophy type 2P; Muscular dystrophy-dystroglycanopathy (congenital with brain and eye anomalies), type A9. Last evaluated: 2022-08-09. Review status: criteria provided, single submitter. Criteria: Invitae Variant Classification Sherloc (09022015). Collection method: clinical testing. Allele origin: germline.
Comment: This variant is not present in population databases (gnomAD no frequency). In summary, the available evidence is currently insufficient to determine the role of this variant in disease. Therefore, it has been classified as a Variant of Uncertain Significance. Algorithms developed to predict the effect of missense changes on protein structure and function are either unavailable or do not agree on the potential impact of this missense change (SIFT: "Tolerated"; PolyPhen-2: "Probably Damaging"; Align-GVGD: "Class C0"). This variant has not been reported in the literature in individuals affected with DAG1-related conditions. This sequence change replaces proline, which is neutral and non-polar, with arginine, which is basic and polar, at codon 827 of the DAG1 protein (p.Pro827Arg).